The following is an entry in ClinVar:

ClinVar aggregate classification (germline): Uncertain significance. Review status: criteria provided, multiple submitters, no conflicts (2 of 4 stars). 2 submissions from 2 submitters: Uncertain significance (2). Last evaluated 2024-11-15.

Conditions:
Hereditary cancer-predisposing syndrome. Also called: Hereditary Cancer Syndrome; Neoplastic Syndromes, Hereditary; Tumor predisposition; Hereditary neoplastic syndrome. Identifiers: Orphanet 140162, MedGen C0027672, MeSH D009386, MONDO:0015356.

Submissions (2):

Ambry Genetics
Classification: Uncertain significance for Hereditary cancer-predisposing syndrome. Last evaluated: 2024-11-15. Review status: criteria provided, single submitter. Criteria: Ambry Variant Classification Scheme 2023. Collection method: clinical testing. Allele origin: germline.
Comment: The p.K301E variant (also known as c.901A>G), located in coding exon 4 of the MSH6 gene, results from an A to G substitution at nucleotide position 901. The lysine at codon 301 is replaced by glutamic acid, an amino acid with similar properties. This amino acid position is conserved. In addition, the in silico prediction for this alteration is inconclusive. Based on the available evidence, the clinical significance of this variant remains unclear.

Blueprint Genetics
Classification: Uncertain significance. Last evaluated: 2024-06-12. Review status: criteria provided, single submitter. Criteria: ACMG Guidelines, 2015. Collection method: clinical testing. Allele origin: germline.

NM_000179.3(MSH6):c.901A>G (p.Lys301Glu)

Gene: MSH6 (mutS homolog 6; plus strand). Cytogenetic location: 2p16.3.
Variant type: single nucleotide variant.
Coding change: c.901A>G on transcript NM_000179.3 (MANE Select); coding-DNA position 901, A replaced by G.
Protein change: p.Lys301Glu; replaces lysine 301 with glutamic acid.
Molecular consequence: missense variant. On other transcripts: 5 prime UTR variant (9), non-coding transcript variant (4), intron variant (1).
Genome position (GRCh38, 1-based): chr2:47,798,884, A>G. VCF-style: chr2-47798884-A-G. GRCh37 (hg19) VCF-style: chr2-48026023-A-G.
Other names: c.511A>G, p.Lys171Glu (NM_001281492.2); c.-6A>G (NM_001281493.2, NM_001281494.2, NM_001406811.1 and 6 more transcripts); c.997A>G, p.Lys333Glu (NM_001406795.1, NM_001406802.1); c.901A>G, p.Lys301Glu (NM_001406796.1, NM_001406798.1, NM_001406800.1 and 4 more transcripts); c.604A>G, p.Lys202Glu (NM_001406797.1, NM_001406801.1, NM_001406805.1 and 10 more transcripts); c.376A>G, p.Lys126Glu (NM_001406799.1, NM_001406806.1, NM_001406807.1); c.823A>G, p.Lys275Glu (NM_001406804.1); c.907A>G, p.Lys303Glu (NM_001406813.1); and 2 more; short protein forms K126E, K202E, K171E, K245E, K303E, K275E, K301E, K333E.
Identifiers: ClinVar variation 3398961 (VCV003398961.2).